The following is an entry in ClinVar:

NM_001082538.3(TCTN1):c.342-2A>C

Gene: TCTN1 (tectonic family member 1; plus strand). Cytogenetic location: 12q24.11.
Variant type: single nucleotide variant.
Coding change: c.342-2A>C on transcript NM_001082538.3 (MANE Select); the canonical splice acceptor site of the intron before coding-DNA position 342, A replaced by C.
Molecular consequence: splice acceptor variant.
Genome position (GRCh38, 1-based): chr12:110,626,360, A>C. VCF-style: chr12-110626360-A-C. GRCh37 (hg19) VCF-style: chr12-111064165-A-C.
Other names: c.174-2A>C (NM_001173975.3, NM_001319682.3); c.162-2A>C (NM_001173976.2); c.-366-2A>C (NM_001319681.2); c.342-2A>C (NM_024549.6, NM_001082537.3, NM_001319680.2).
Identifiers: ClinVar variation 4277234 (VCV004277234.2).

ClinVar aggregate classification (germline): Pathogenic. Review status: criteria provided, multiple submitters, no conflicts (2 of 4 stars). 2 submissions from 2 submitters: Pathogenic (2). Last evaluated 2026-01-05.

Conditions:
Joubert syndrome 13 (JBTS13). Identifiers: Orphanet 475, MedGen C3280031, MONDO:0013608, OMIM 614173.
Joubert syndrome. Also called: CEREBELLOPARENCHYMAL DISORDER IV; JOUBERT-BOLTSHAUSER SYNDROME; Familial aplasia of the vermis. Identifiers: Orphanet 475, MedGen C5979921, MONDO:0018772.
Meckel-Gruber syndrome. Also called: DYSENCEPHALIA SPLANCHNOCYSTICA; GRUBER SYNDROME; Dysencephalia splachnocystica. Identifiers: Orphanet 564, MedGen C0265215, MONDO:0018921.

gnomAD v4.1: 4 of 1,571,734 alleles (0.00025%); highest among the groups gnomAD compares: Non-Finnish European, 0.00035%; no homozygotes.

Submissions (2):

Labcorp Genetics (formerly Invitae), Labcorp
Classification: Pathogenic for Joubert syndrome; Meckel-Gruber syndrome. Last evaluated: 2026-01-05. Review status: criteria provided, single submitter. Criteria: Invitae Variant Classification Sherloc (09022015). Collection method: clinical testing. Allele origin: germline.
Comment: This sequence change affects an acceptor splice site in intron 2 of the TCTN1 gene. It is expected to disrupt RNA splicing. Variants that disrupt the donor or acceptor splice site typically lead to a loss of protein function (PMID: 16199547), and loss-of-function variants in TCTN1 are known to be pathogenic (PMID: 21725307, 22693042, 27894351). This variant is not present in population databases (gnomAD no frequency). Disruption of this splice site has been observed in individuals with Joubert syndrome and related disorders (PMID: 22693042, 26477546). It has also been observed to segregate with disease in related individuals. ClinVar contains an entry for this variant (Variation ID: 4277234). Studies have shown that disruption of this splice site is associated with inconclusive levels of altered splicing (PMID: 22693042). For these reasons, this variant has been classified as Pathogenic.

Institute of Human Genetics, Heidelberg University
Classification: Pathogenic for Joubert syndrome 13. Last evaluated: 2025-05-07. Review status: criteria provided, single submitter. Criteria: ACMG Guidelines, 2015. Collection method: clinical testing. Allele origin: biparental. Affected: yes. Observed: 3 variant alleles.
Comment: PVS1, PS1_supp, PM2_supp, PM3_supp

Literature cited by the submitters: PubMed 16199547 (cited by Labcorp Genetics (formerly Invitae), Labcorp); PubMed 21725307 (cited by Labcorp Genetics (formerly Invitae), Labcorp); PubMed 22693042 (cited by Labcorp Genetics (formerly Invitae), Labcorp); PubMed 27894351 (cited by Labcorp Genetics (formerly Invitae), Labcorp); PubMed 26477546 (cited by Labcorp Genetics (formerly Invitae), Labcorp).